The following is an entry in ClinVar:

NM_000152.5(GAA):c.982C>T (p.Leu328Phe)

Gene: GAA (alpha glucosidase; plus strand). Cytogenetic location: 17q25.3.
Variant type: single nucleotide variant.
Coding change: c.982C>T on transcript NM_000152.5 (MANE Select); coding-DNA position 982, C replaced by T.
Protein change: p.Leu328Phe; replaces leucine 328 with phenylalanine.
Molecular consequence: missense variant.
Genome position (GRCh38, 1-based): chr17:80,108,316, C>T. VCF-style: chr17-80108316-C-T. GRCh37 (hg19) VCF-style: chr17-78082115-C-T.
Other names: c.982C>T (LRG_673t1); c.982C>T, p.Leu328Phe (NM_001079803.3, NM_001079804.3); short protein forms L328F.
Identifiers: ClinVar variation 526530 (VCV000526530.6), dbSNP rs1555599956, ClinGen allele CA401364463.
Genomic context (GRCh38, chr17:80,108,316, plus strand): 5'-CTGTCCCCCAACCCCAGAGCTGCTTCCCTTCCAGATGTGGTCCTGCAGCCGAGCCCTGCC[C>T]TTAGCTGGAGGTCGACAGGTGGGATCCTGGATGTCTACATCTTCCTGGGCCCAGAGCCCA-3'
Protein context (NP_000143.2, residues 318-338): MDVVLQPSPA[Leu328Phe]SWRSTGGILD

ClinVar aggregate classification (germline): Uncertain significance (1 of 4 stars; one submission).

Conditions:
Glycogen storage disease, type II (IOPD). Also called: CARDIOMEGALIA GLYCOGENICA DIFFUSA; GLYCOGENOSIS, GENERALIZED, CARDIAC FORM; GSD II; POMPE DISEASE, INFANTILE-ONSET; GLYCOGEN STORAGE DISEASE II, INFANTILE-ONSET; ACID ALPHA-GLUCOSIDASE DEFICIENCY, INFANTILE-ONSET. Identifiers: Orphanet 365, MedGen C0017921, MONDO:0009290, OMIM 232300.

Submission:

Labcorp Genetics (formerly Invitae), Labcorp
Classification: Uncertain significance for Glycogen storage disease, type II. Last evaluated: 2021-08-27. Review status: criteria provided, single submitter. Criteria: Invitae Variant Classification Sherloc (09022015). Collection method: clinical testing. Allele origin: germline.
Comment: This sequence change replaces leucine with phenylalanine at codon 328 of the GAA protein (p.Leu328Phe). The leucine residue is highly conserved and there is a small physicochemical difference between leucine and phenylalanine. This variant is not present in population databases (ExAC no frequency). This variant has not been reported in the literature in individuals affected with GAA-related conditions. Algorithms developed to predict the effect of missense changes on protein structure and function are either unavailable or do not agree on the potential impact of this missense change (SIFT: "Tolerated"; PolyPhen-2: "Possibly Damaging"; Align-GVGD: "Class C0"). In summary, the available evidence is currently insufficient to determine the role of this variant in disease. Therefore, it has been classified as a Variant of Uncertain Significance.